The following is an entry in ClinVar:

ClinVar aggregate classification (germline): Likely benign (1 of 4 stars; one submission).

Conditions:
HSD17B4-related disorder. Also called: HSD17B4-related disorders; HSD17B4-related condition.

gnomAD v4.1: 11 of 1,545,294 alleles (0.00071%); highest among the groups gnomAD compares: East Asian, 0.025%; no homozygotes.

Submission:

PreventionGenetics, part of Exact Sciences
Classification: Likely benign for HSD17B4-related condition. Last evaluated: 2025-09-23. Review status: criteria provided, single submitter. Criteria: ACMG Guidelines, 2015. Collection method: clinical testing. Allele origin: germline.
Comment: This variant is classified as likely benign based on ACMG/AMP sequence variant interpretation guidelines (Richards et al. 2015 PMID: 25741868, with internal and published modifications).

NM_000414.4(HSD17B4):c.1210-21A>G

Gene: HSD17B4 (hydroxysteroid 17-beta dehydrogenase 4; plus strand). Cytogenetic location: 5q23.1.
Variant type: single nucleotide variant.
Coding change: c.1210-21A>G on transcript NM_000414.4 (MANE Select); 21 bases into the intron before coding-DNA position 1210, A replaced by G.
Molecular consequence: intron variant.
Genome position (GRCh38, 1-based): chr5:119,502,020, A>G. VCF-style: chr5-119502020-A-G. GRCh37 (hg19) VCF-style: chr5-118837715-A-G.
Other names: c.799-21A>G (NM_001374503.1, NM_001374502.1, NM_001374501.1); c.1285-21A>G (NM_001199291.3); c.883-21A>G (NM_001374499.1); c.769-21A>G (NM_001374500.1); c.790-21A>G (NM_001292028.2); c.1138-21A>G (NM_001292027.2); c.1210-21A>G (NM_001374498.1); c.1201-21A>G (NM_001374497.1); and 1 more.
Identifiers: ClinVar variation 4997402 (VCV004997402.1).